The following is an entry in ClinVar:

NM_002114.4(HIVEP1):c.7771G>A (p.Ala2591Thr)

Gene: HIVEP1 (HIVEP zinc finger 1; plus strand). Cytogenetic location: 6p24.1.
Variant type: single nucleotide variant.
Coding change: c.7771G>A on transcript NM_002114.4 (MANE Select); coding-DNA position 7771, G replaced by A.
Protein change: p.Ala2591Thr; replaces alanine 2591 with threonine.
Molecular consequence: missense variant.
Genome position (GRCh38, 1-based): chr6:12,164,075, G>A. VCF-style: chr6-12164075-G-A. GRCh37 (hg19) VCF-style: chr6-12164308-G-A.
Other names: c.7771G>A (NM_002114.2); short protein forms A2591T.
Identifiers: ClinVar variation 2656232 (VCV002656232.25), dbSNP rs181056704, ClinGen allele CA3638456.

ClinVar aggregate classification (germline): Conflicting classifications of pathogenicity. Review status: criteria provided, conflicting classifications (1 of 4 stars). 2 submissions from 2 submitters: Uncertain significance (1); Likely benign (1). Last evaluated 2025-08-30.

Allele frequency attached by ClinVar (database versions not stated): 1000 Genomes Project 30x 0.00016; 1000 Genomes Project 0.00020; gnomAD 0.00155; ESP Exome Variant Server 0.00275.
gnomAD v4.1: 3,625 of 1,614,098 alleles (0.22%); highest among the groups gnomAD compares: Non-Finnish European, 0.27%; 11 homozygotes.

Submissions (2):

Ambry Genetics
Classification: Uncertain significance. Last evaluated: 2025-08-30. Review status: criteria provided, single submitter. Criteria: Ambry Variant Classification Scheme 2023. Collection method: clinical testing. Allele origin: germline.

CeGaT Center for Human Genetics Tuebingen
Classification: Likely benign. Last evaluated: 2022-08-01. Review status: criteria provided, single submitter. Criteria: CeGaT Center For Human Genetics Tuebingen Variant Classification Criteria Version 2. Collection method: clinical testing. Allele origin: germline. Affected: yes. Observed: 1 variant allele.
Comment: HIVEP1: BP4